The following is an entry in ClinVar:

NM_024649.5(BBS1):c.1657G>T (p.Glu553Ter)

Genes: BBS1 (Bardet-Biedl syndrome 1; plus strand), ZDHHC24 (zDHHC palmitoyltransferase 24; minus strand). Cytogenetic location: 11q13.2.
Variant type: single nucleotide variant.
Coding change: c.1657G>T on transcript NM_024649.5 (MANE Select); coding-DNA position 1657, G replaced by T.
Protein change: p.Glu553Ter; replaces glutamic acid 553 with a stop codon.
Molecular consequence: nonsense. On other transcripts: intron variant (1).
Genome position (GRCh38, 1-based): chr11:66,531,704, G>T. VCF-style: chr11-66531704-G-T. GRCh37 (hg19) VCF-style: chr11-66299175-G-T.
Other names: c.560-2216C>A (NM_001348571.2); short protein forms E553*.
Identifiers: ClinVar variation 1076842 (VCV001076842.9), dbSNP rs1856788934, ClinGen allele CA381426103.

ClinVar aggregate classification (germline): Pathogenic/Likely pathogenic. Review status: criteria provided, multiple submitters, no conflicts (2 of 4 stars). 2 submissions from 2 submitters: Pathogenic (1); Likely pathogenic (1). Last evaluated 2025-09-14.

Conditions:
Bardet-Biedl syndrome 1 (BBS1). Identifiers: MedGen C2936862, MONDO:0008854, OMIM 209900. Disease mechanism: loss of function.
Bardet-Biedl syndrome (BBS). Identifiers: Orphanet 110, MedGen C0752166, MONDO:0015229.

Allele frequency attached by ClinVar (database versions not stated): TOPMed 0.00001.
gnomAD v4.1: 1 of 1,614,112 alleles (0.000062%); highest among the groups gnomAD compares: African/African-American, 0.0013%; no homozygotes.

Submissions (2):

Natera, Inc.
Classification: Likely pathogenic for Bardet-Biedl syndrome type 1. Last evaluated: 2025-09-14. Review status: criteria provided, single submitter. Criteria: Natera Variant Classification Schema (03/2026). Collection method: clinical testing. Allele origin: germline.
Comment: The c.1657G>T variant in BBS1 is a nonsense variant predicted to introduce a stop codon at amino acid 553. This variant is expected to result in nonsense mediated decay, truncation, or a dysfunctional protein product. This variant is rare in the general population with a frequency below the threshold expected for the associated phenotype(s). Given the available evidence, this variant is classified as Likely Pathogenic.

Labcorp Genetics (formerly Invitae), Labcorp
Classification: Pathogenic for Bardet-Biedl syndrome. Last evaluated: 2020-06-26. Review status: criteria provided, single submitter. Criteria: Invitae Variant Classification Sherloc (09022015). Collection method: clinical testing. Allele origin: germline.
Comment: For these reasons, this variant has been classified as Pathogenic. This variant disrupts the C-terminus of the BBS1 protein. Other variant(s) that disrupt this region (p.Arg570*) have been determined to be pathogenic (PMID: 25170860, 28559085). This suggests that variants that disrupt this region of the protein are likely to be causative of disease. This variant has not been reported in the literature in individuals with BBS1-related conditions. This variant is not present in population databases (ExAC no frequency). This sequence change results in a premature translational stop signal in the BBS1 gene (p.Glu553*). While this is not anticipated to result in nonsense mediated decay, it is expected to disrupt the last 41 amino acids of the BBS1 protein.

Literature cited by the submitters: PubMed 25170860 (cited by Labcorp Genetics (formerly Invitae), Labcorp); PubMed 28559085 (cited by Labcorp Genetics (formerly Invitae), Labcorp).